The following is an entry in ClinVar:

NM_020778.5(ALPK3):c.1168G>A (p.Ala390Thr)

Gene: ALPK3 (alpha kinase 3; plus strand). Cytogenetic location: 15q25.3.
Variant type: single nucleotide variant.
Coding change: c.1168G>A on transcript NM_020778.5 (MANE Select); coding-DNA position 1168, G replaced by A.
Protein change: p.Ala390Thr; replaces alanine 390 with threonine.
Molecular consequence: missense variant.
Genome position (GRCh38, 1-based): chr15:84,840,447, G>A. VCF-style: chr15-84840447-G-A. GRCh37 (hg19) VCF-style: chr15-85383678-G-A.
Other names: short protein forms A390T.
Identifiers: ClinVar variation 3532864 (VCV003532864.3).

ClinVar aggregate classification (germline): Conflicting classifications of pathogenicity. Review status: criteria provided, conflicting classifications (1 of 4 stars). 2 submissions from 2 submitters: Uncertain significance (1); Likely benign (1). Last evaluated 2025-12-15.

Conditions:
Cardiovascular phenotype. Identifiers: MedGen CN230736.

gnomAD v4.1: 20 of 1,613,716 alleles (0.0012%); highest among the groups gnomAD compares: Middle Eastern, 0.016%; no homozygotes.

Submissions (2):

Labcorp Genetics (formerly Invitae), Labcorp
Classification: Uncertain significance. Last evaluated: 2025-12-15. Review status: criteria provided, single submitter. Criteria: Invitae Variant Classification Sherloc (09022015). Collection method: clinical testing. Allele origin: germline.
Comment: This sequence change replaces alanine, which is neutral and non-polar, with threonine, which is neutral and polar, at codon 592 of the ALPK3 protein (p.Ala592Thr). This variant is present in population databases (rs748809965, gnomAD 0.003%). This variant has not been reported in the literature in individuals affected with ALPK3-related conditions. ClinVar contains an entry for this variant (Variation ID: 3532864). Invitae Evidence Modeling of protein sequence and biophysical properties (such as structural, functional, and spatial information, amino acid conservation, physicochemical variation, residue mobility, and thermodynamic stability) indicates that this missense variant is not expected to disrupt ALPK3 protein function with a negative predictive value of 80%. In summary, the available evidence is currently insufficient to determine the role of this variant in disease. Therefore, it has been classified as a Variant of Uncertain Significance.

Ambry Genetics
Classification: Likely benign for Cardiovascular phenotype. Last evaluated: 2024-07-14. Review status: criteria provided, single submitter. Criteria: Ambry Variant Classification Scheme 2023. Collection method: clinical testing. Allele origin: germline.